The following is an entry in ClinVar:

ClinVar aggregate classification (germline): Conflicting classifications of pathogenicity. Review status: criteria provided, conflicting classifications (1 of 4 stars). 2 submissions from 2 submitters: Likely pathogenic (1); Uncertain significance (1). Last evaluated 2022-10-22.

Conditions:
Hereditary spastic paraplegia 17. Also called: Silver spastic paraplegia syndrome; SPASTIC PARAPLEGIA WITH AMYOTROPHY OF HANDS AND FEET; Spastic Paraplegia 17; Autosomal dominant spastic paraplegia type 17; Silver Syndrome. Identifiers: Orphanet 100998, MedGen C2931276, MONDO:0010043, OMIM 270685.
Neuronopathy, distal hereditary motor, type 5C. Also called: NEURONOPATHY, DISTAL HEREDITARY MOTOR, AUTOSOMAL DOMINANT 13; DHMN VC; NEURONOPATHY, DISTAL HEREDITARY MOTOR, HARDING TYPE VC; NEUROPATHY, DISTAL HEREDITARY MOTOR, HARDING TYPE VC; SPINAL MUSCULAR ATROPHY, DISTAL, HARDING TYPE VC. Identifiers: MedGen C5436838, MONDO:0030860, OMIM 619112.
Charcot-Marie-Tooth disease type 2. Also called: Charcot-Marie-Tooth type 2. Identifiers: Orphanet 64746, MedGen C0270914, MONDO:0018993.

Submissions (2):

Kariminejad - Najmabadi Pathology & Genetics Center
Classification: Uncertain significance for Neuronopathy, distal hereditary motor, type 5C; Hereditary spastic paraplegia 17. Last evaluated: 2022-10-22. Review status: criteria provided, single submitter. Criteria: ACMG Guidelines, 2015. Collection method: clinical testing. Allele origin: germline. Inheritance: Autosomal dominant inheritance. Affected: yes.
Comment: PM2,PM5

Labcorp Genetics (formerly Invitae), Labcorp
Classification: Likely pathogenic for Charcot-Marie-Tooth disease type 2. Last evaluated: 2022-08-16. Review status: criteria provided, single submitter. Criteria: Invitae Variant Classification Sherloc (09022015). Collection method: clinical testing. Allele origin: germline.
Comment: This variant disrupts the p.Ser90 amino acid residue in BSCL2. Other variant(s) that disrupt this residue have been determined to be pathogenic (PMID: 14981520, 17486577, 25487175, 26815532). This suggests that this residue is clinically significant, and that variants that disrupt this residue are likely to be disease-causing. This sequence change replaces serine, which is neutral and polar, with alanine, which is neutral and non-polar, at codon 90 of the BSCL2 protein (p.Ser90Ala). This variant is not present in population databases (gnomAD no frequency). This variant has not been reported in the literature in individuals affected with BSCL2-related conditions. ClinVar contains an entry for this variant (Variation ID: 643607). Advanced modeling of protein sequence and biophysical properties (such as structural, functional, and spatial information, amino acid conservation, physicochemical variation, residue mobility, and thermodynamic stability) performed at Invitae indicates that this missense variant is expected to disrupt BSCL2 protein function. In summary, the currently available evidence indicates that the variant is pathogenic, but additional data are needed to prove that conclusively. Therefore, this variant has been classified as Likely Pathogenic.

Literature cited by the submitters: PubMed 14981520 (cited by Labcorp Genetics (formerly Invitae), Labcorp); PubMed 17486577 (cited by Labcorp Genetics (formerly Invitae), Labcorp); PubMed 25487175 (cited by Labcorp Genetics (formerly Invitae), Labcorp); PubMed 26815532 (cited by Labcorp Genetics (formerly Invitae), Labcorp).

NM_001122955.4(BSCL2):c.460T>G (p.Ser154Ala)

Genes: BSCL2 (BSCL2 lipid droplet biogenesis associated, seipin; minus strand), HNRNPUL2-BSCL2 (HNRNPUL2-BSCL2 readthrough (NMD candidate); minus strand). Cytogenetic location: 11q12.3.
Variant type: single nucleotide variant.
Coding change: c.460T>G on transcript NM_001122955.4 (MANE Select); coding-DNA position 460, T replaced by G.
Protein change: p.Ser154Ala; replaces serine 154 with alanine.
Molecular consequence: missense variant. On other transcripts: non-coding transcript variant (1).
Genome position (GRCh38, 1-based): chr11:62,702,494, A>C on the plus strand (T>G on the coding strand, the complement: BSCL2 is on the minus strand). VCF-style: chr11-62702494-A-C. GRCh37 (hg19) VCF-style: chr11-62469966-A-C.
Other names: c.268T>G, p.Ser90Ala (NM_001130702.2, NM_032667.6); c.460T>G, p.Ser154Ala (NM_001386027.1, NM_001386028.1); short protein forms S90A, S154A.
Identifiers: ClinVar variation 643607 (VCV000643607.11), dbSNP rs1590881633, ClinGen allele CA380968396.